The following is an entry in ClinVar:

NM_001035.3(RYR2):c.10672C>T (p.Leu3558Phe)

Gene: RYR2 (ryanodine receptor 2; plus strand). Cytogenetic location: 1q43.
Variant type: single nucleotide variant.
Coding change: c.10672C>T on transcript NM_001035.3 (MANE Select); coding-DNA position 10672, C replaced by T.
Protein change: p.Leu3558Phe; replaces leucine 3558 with phenylalanine.
Molecular consequence: missense variant.
Genome position (GRCh38, 1-based): chr1:237,723,245, C>T. VCF-style: chr1-237723245-C-T. GRCh37 (hg19) VCF-style: chr1-237886545-C-T.
Other names: short protein forms L3558F.
Identifiers: ClinVar variation 954943 (VCV000954943.11), dbSNP rs1689901276, ClinGen allele CA345416223.
Genomic context (GRCh38, chr1:237,723,245, plus strand): 5'-ACTGATGATACCTCAGATCCAGAGAAGACGGTAGAAAGAGTATTGGATATAGCAAATGTG[C>T]TTTTTCATCTTGAACAGGTCAGGCTTTGTGTCAATTCAATCATATTTGCCTTAGCCACAT-3'
Protein context (NP_001026.2, residues 3548-3568): VERVLDIANV[Leu3558Phe]FHLEQKSKRV

ClinVar aggregate classification (germline): Uncertain significance (1 of 4 stars; one submission).

Conditions:
Catecholaminergic polymorphic ventricular tachycardia 1. Also called: VENTRICULAR TACHYCARDIA, STRESS-INDUCED POLYMORPHIC 1; RYR2-Related Catecholaminergic Polymorphic Ventricular Tachycardia; VENTRICULAR TACHYCARDIA, CATECHOLAMINERGIC POLYMORPHIC, 1, WITH OR WITHOUT ATRIAL DYSFUNCTION AND/OR DILATED CARDIOMYOPATHY. Identifiers: Orphanet 3286, MedGen C1631597, MONDO:0011484, OMIM 604772.

Submission:

Labcorp Genetics (formerly Invitae), Labcorp
Classification: Uncertain significance for Catecholaminergic polymorphic ventricular tachycardia 1. Last evaluated: 2022-08-22. Review status: criteria provided, single submitter. Criteria: Invitae Variant Classification Sherloc (09022015). Collection method: clinical testing. Allele origin: germline.
Comment: ClinVar contains an entry for this variant (Variation ID: 954943). In summary, the available evidence is currently insufficient to determine the role of this variant in disease. Therefore, it has been classified as a Variant of Uncertain Significance. Advanced modeling of protein sequence and biophysical properties (such as structural, functional, and spatial information, amino acid conservation, physicochemical variation, residue mobility, and thermodynamic stability) performed at Invitae indicates that this missense variant is expected to disrupt RYR2 protein function. This variant has not been reported in the literature in individuals affected with RYR2-related conditions. This variant is not present in population databases (gnomAD no frequency). This sequence change replaces leucine, which is neutral and non-polar, with phenylalanine, which is neutral and non-polar, at codon 3558 of the RYR2 protein (p.Leu3558Phe).